The following is an entry in ClinVar:

ClinVar aggregate classification (germline): Uncertain significance (1 of 4 stars; one submission).

Conditions:
Hereditary pancreatitis (PCTT). Also called: Hereditary chronic pancreatitis; PRSS1-Related Hereditary Pancreatitis. Identifiers: Orphanet 676, MedGen C0238339, MONDO:0008185, OMIM 167800.

Submission:

Ambry Genetics
Classification: Uncertain significance for Hereditary pancreatitis. Last evaluated: 2025-12-21. Review status: criteria provided, single submitter. Criteria: Ambry Variant Classification Scheme 2023. Collection method: clinical testing. Allele origin: germline.
Comment: The p.N106S variant (also known as c.317A>G), located in coding exon 3 of the PRSS1 gene, results from an A to G substitution at nucleotide position 317. The asparagine at codon 106 is replaced by serine, an amino acid with highly similar properties. This amino acid position is conserved. In addition, the in silico prediction for this alteration is inconclusive. Since supporting evidence is limited at this time, the clinical significance of this alteration remains unclear.

NM_002769.5(PRSS1):c.317A>G (p.Asn106Ser)

Genes: PRSS1 (serine protease 1; plus strand), TRB (T cell receptor beta locus; plus strand). Cytogenetic location: 7q34.
Variant type: single nucleotide variant.
Coding change: c.317A>G on transcript NM_002769.5 (MANE Select); coding-DNA position 317, A replaced by G.
Protein change: p.Asn106Ser; replaces asparagine 106 with serine.
Molecular consequence: missense variant. On other transcripts: non-coding transcript variant (4).
Genome position (GRCh38, 1-based): chr7:142,751,890, A>G. VCF-style: chr7-142751890-A-G. GRCh37 (hg19) VCF-style: chr7-142459741-A-G.
Other names: short protein forms N106S.
Identifiers: ClinVar variation 1728508 (VCV001728508.3), dbSNP rs2485753591, ClinGen allele CA369608788.